The following is an entry in ClinVar:

NM_007294.4(BRCA1):c.2792T>A (p.Val931Glu)

Gene: BRCA1 (BRCA1 DNA repair associated; minus strand). Cytogenetic location: 17q21.31.
Variant type: single nucleotide variant.
Coding change: c.2792T>A on transcript NM_007294.4 (MANE Select); coding-DNA position 2792, T replaced by A.
Protein change: p.Val931Glu; replaces valine 931 with glutamic acid.
Molecular consequence: missense variant. On other transcripts: intron variant (137).
Genome position (GRCh38, 1-based): chr17:43,092,739, A>T on the plus strand (T>A on the coding strand, the complement: BRCA1 is on the minus strand). VCF-style: chr17-43092739-A-T. GRCh37 (hg19) VCF-style: chr17-41244756-A-T.
Other names: c.665-1707T>A (NM_001408425.1, NM_001408440.1, NM_001408428.1 and 12 more transcripts); c.671-1707T>A (NM_001408419.1, NM_001408422.1, NM_001408418.1 and 2 more transcripts); c.788-1707T>A (NM_001408403.1, NM_001407983.1, NM_001407975.1 and 17 more transcripts); c.791-1716T>A (NM_001408406.1); c.647-1707T>A (NM_001408456.1, NM_001408410.1, NM_001408458.1 and 11 more transcripts); c.644-1707T>A (NM_001408465.1, NM_001408463.1, NM_001408462.1 and 3 more transcripts); c.578-1707T>A (NM_001408482.1, NM_001408484.1, NM_001408478.1 and 9 more transcripts); c.521-1707T>A (NM_001408504.1, NM_001408503.1, NM_001408505.1); and 41 more; short protein forms V635E, V763E, V803E, V820E, V843E, V864E, V883E, V884E.
Identifiers: ClinVar variation 4625363 (VCV004625363.1).
Genomic context (GRCh38, chr17:43,092,739, plus strand): 5'-CTAGAGCCTCCTTTGATACTACATTTGGCATTATCAACTGGCTTATCTTTCTGACCAACC[A>T]CAGGAAAGCCTGCAGTGATATTAACTGTCTGTACAGGCTTGATATTAGACTCATTCTTTC-3'
Protein context (NP_009225.1, residues 921-941): QTVNITAGFP[Val931Glu]VGQKDKPVDN

ClinVar aggregate classification (germline): Uncertain significance (1 of 4 stars; one submission).

Conditions:
Hereditary cancer-predisposing syndrome. Also called: Neoplastic Syndromes, Hereditary; Tumor predisposition; Hereditary Cancer Syndrome; Hereditary neoplastic syndrome. Identifiers: Orphanet 140162, MedGen C0027672, MeSH D009386, MONDO:0015356.

Submission:

Ambry Genetics
Classification: Uncertain significance for Hereditary cancer-predisposing syndrome. Last evaluated: 2025-10-30. Review status: criteria provided, single submitter. Criteria: Ambry Variant Classification Scheme 2023. Collection method: clinical testing. Allele origin: germline.
Comment: The p.V931E variant (also known as c.2792T>A), located in coding exon 9 of the BRCA1 gene, results from a T to A substitution at nucleotide position 2792. The valine at codon 931 is replaced by glutamic acid, an amino acid with dissimilar properties. This amino acid position is conserved. In addition, the in silico prediction for this alteration is inconclusive. Based on the available evidence, the clinical significance of this variant remains unclear.